The following is an entry in ClinVar:

NM_021147.5(CCNO):c.519C>G (p.Asp173Glu)

Gene: CCNO (cyclin O; minus strand). Cytogenetic location: 5q11.2.
Variant type: single nucleotide variant.
Coding change: c.519C>G on transcript NM_021147.5 (MANE Select); coding-DNA position 519, C replaced by G.
Protein change: p.Asp173Glu; replaces aspartic acid 173 with glutamic acid.
Molecular consequence: missense variant. On other transcripts: non-coding transcript variant (3).
Genome position (GRCh38, 1-based): chr5:55,232,409, G>C on the plus strand (C>G on the coding strand, the complement: CCNO is on the minus strand). VCF-style: chr5-55232409-G-C. GRCh37 (hg19) VCF-style: chr5-54528237-G-C.
Other names: short protein forms D173E.
Identifiers: ClinVar variation 1981286 (VCV001981286.4), dbSNP rs1454235214, ClinGen allele CA359722888.

ClinVar aggregate classification (germline): Uncertain significance (1 of 4 stars; one submission).

Conditions:
Primary ciliary dyskinesia. Also called: Ciliary dyskinesia. Identifiers: Orphanet 244, MedGen C0008780, MONDO:0016575, HP:0012265.

Allele frequency attached by ClinVar (database versions not stated): TOPMed below 0.00001; gnomAD 0.00001.
gnomAD v4.1: 4 of 1,613,900 alleles (0.00025%); highest among the groups gnomAD compares: Non-Finnish European, 0.00034%; no homozygotes.

Submission:

Labcorp Genetics (formerly Invitae), Labcorp
Classification: Uncertain significance for Primary ciliary dyskinesia. Last evaluated: 2023-07-07. Review status: criteria provided, single submitter. Criteria: Invitae Variant Classification Sherloc (09022015). Collection method: clinical testing. Allele origin: germline.
Comment: This sequence change replaces aspartic acid, which is acidic and polar, with glutamic acid, which is acidic and polar, at codon 173 of the CCNO protein (p.Asp173Glu). In summary, the available evidence is currently insufficient to determine the role of this variant in disease. Therefore, it has been classified as a Variant of Uncertain Significance. Advanced modeling of protein sequence and biophysical properties (such as structural, functional, and spatial information, amino acid conservation, physicochemical variation, residue mobility, and thermodynamic stability) performed at Invitae indicates that this missense variant is not expected to disrupt CCNO protein function. ClinVar contains an entry for this variant (Variation ID: 1981286). This variant has not been reported in the literature in individuals affected with CCNO-related conditions. This variant is not present in population databases (gnomAD no frequency).